The following is an entry in ClinVar:

ClinVar aggregate classification (germline): Uncertain significance (1 of 4 stars; one submission).

Conditions:
Cardiovascular phenotype. Identifiers: MedGen CN230736.

Submission:

Ambry Genetics
Classification: Uncertain significance for Cardiovascular phenotype. Last evaluated: 2023-12-29. Review status: criteria provided, single submitter. Criteria: Ambry Variant Classification Scheme 2023. Collection method: clinical testing. Allele origin: germline.
Comment: The p.T3429R variant (also known as c.10286C>G), located in coding exon 26 of the APOB gene, results from a C to G substitution at nucleotide position 10286. The threonine at codon 3429 is replaced by arginine, an amino acid with similar properties. This amino acid position is conserved. In addition, this alteration is predicted to be tolerated by in silico analysis. Since supporting evidence is limited at this time, the clinical significance of this alteration remains unclear.

NM_000384.3(APOB):c.10286C>G (p.Thr3429Arg)

Gene: APOB (apolipoprotein B; minus strand). Cytogenetic location: 2p24.1.
Variant type: single nucleotide variant.
Coding change: c.10286C>G on transcript NM_000384.3 (MANE Select); coding-DNA position 10286, C replaced by G.
Protein change: p.Thr3429Arg; replaces threonine 3429 with arginine.
Molecular consequence: missense variant.
Genome position (GRCh38, 1-based): chr2:21,006,582, G>C on the plus strand (C>G on the coding strand, the complement: APOB is on the minus strand). VCF-style: chr2-21006582-G-C. GRCh37 (hg19) VCF-style: chr2-21229454-G-C.
Other names: short protein forms T3429R.
Identifiers: ClinVar variation 3231347 (VCV003231347.1), dbSNP rs2465360307, ClinGen allele CA345986866.